The following is an entry in ClinVar:

ClinVar aggregate classification (germline): Benign (0 of 4 stars; one submission).

Conditions:
ZFHX3-related disorder. Also called: ZFHX3-related condition.

Allele frequency attached by ClinVar (database versions not stated): 1000 Genomes Project 30x 0.02483; 1000 Genomes Project 0.02496; TOPMed 0.02801; ESP Exome Variant Server 0.03139; gnomAD exomes 0.02027; ExAC 0.02107; gnomAD 0.02456.
gnomAD v4.1: 33,878 of 1,613,958 alleles (2.1%); highest among the groups gnomAD compares: Middle Eastern, 7.4%; 489 homozygotes.

Submission:

PreventionGenetics, part of Exact Sciences
Classification: Benign for ZFHX3-related condition. Last evaluated: 2019-07-10. Review status: no assertion criteria provided. Collection method: clinical testing. Allele origin: germline.
Comment: This variant is classified as benign based on ACMG/AMP sequence variant interpretation guidelines (Richards et al. 2015 PMID: 25741868, with internal and published modifications).

NM_006885.4(ZFHX3):c.1848C>T (p.Phe616=)

Gene: ZFHX3 (zinc finger homeobox 3; minus strand). Cytogenetic location: 16q22.3.
Variant type: single nucleotide variant.
Coding change: c.1848C>T on transcript NM_006885.4 (MANE Select); coding-DNA position 1848, C replaced by T.
Protein change: p.Phe616=; no amino-acid change (phenylalanine 616 retained).
Molecular consequence: synonymous variant. On other transcripts: intron variant (1).
Genome position (GRCh38, 1-based): chr16:72,958,298, G>A on the plus strand (C>T on the coding strand, the complement: ZFHX3 is on the minus strand). VCF-style: chr16-72958298-G-A. GRCh37 (hg19) VCF-style: chr16-72992197-G-A.
Other names: c.1848C>T, p.Phe616= (NM_001386735.1); c.-23-7333C>T (NM_001164766.2).
Identifiers: ClinVar variation 3057238 (VCV003057238.2), dbSNP rs61735549, ClinGen allele CA8164616.